The following is an entry in ClinVar:

NM_001035.3(RYR2):c.5215T>C (p.Phe1739Leu)

Gene: RYR2 (ryanodine receptor 2; plus strand). Cytogenetic location: 1q43.
Variant type: single nucleotide variant.
Coding change: c.5215T>C on transcript NM_001035.3 (MANE Select); coding-DNA position 5215, T replaced by C.
Protein change: p.Phe1739Leu; replaces phenylalanine 1739 with leucine.
Molecular consequence: missense variant.
Genome position (GRCh38, 1-based): chr1:237,614,343, T>C. VCF-style: chr1-237614343-T-C. GRCh37 (hg19) VCF-style: chr1-237777643-T-C.
Other names: short protein forms F1739L.
Identifiers: ClinVar variation 1373784 (VCV001373784.7), dbSNP rs2148595163, ClinGen allele CA345404321.

ClinVar aggregate classification (germline): Uncertain significance (1 of 4 stars; one submission).

Conditions:
Catecholaminergic polymorphic ventricular tachycardia 1. Also called: VENTRICULAR TACHYCARDIA, STRESS-INDUCED POLYMORPHIC 1; VENTRICULAR TACHYCARDIA, CATECHOLAMINERGIC POLYMORPHIC, 1, WITH OR WITHOUT ATRIAL DYSFUNCTION AND/OR DILATED CARDIOMYOPATHY; RYR2-Related Catecholaminergic Polymorphic Ventricular Tachycardia. Identifiers: Orphanet 3286, MedGen C1631597, MONDO:0011484, OMIM 604772.

Submission:

Labcorp Genetics (formerly Invitae), Labcorp
Classification: Uncertain significance for Catecholaminergic polymorphic ventricular tachycardia 1. Last evaluated: 2021-10-26. Review status: criteria provided, single submitter. Criteria: Invitae Variant Classification Sherloc (09022015). Collection method: clinical testing. Allele origin: germline.
Comment: In summary, the available evidence is currently insufficient to determine the role of this variant in disease. Therefore, it has been classified as a Variant of Uncertain Significance. Advanced modeling of protein sequence and biophysical properties (such as structural, functional, and spatial information, amino acid conservation, physicochemical variation, residue mobility, and thermodynamic stability) performed at Invitae indicates that this missense variant is not expected to disrupt RYR2 protein function. This variant has not been reported in the literature in individuals affected with RYR2-related conditions. This variant is not present in population databases (ExAC no frequency). This sequence change replaces phenylalanine with leucine at codon 1739 of the RYR2 protein (p.Phe1739Leu). The phenylalanine residue is highly conserved and there is a small physicochemical difference between phenylalanine and leucine.